The following is an entry in ClinVar:

ClinVar aggregate classification (germline): Uncertain significance. Review status: criteria provided, multiple submitters, no conflicts (2 of 4 stars). 2 submissions from 2 submitters: Uncertain significance (2). Last evaluated 2026-08-06.

Conditions:
Brown-Vialetto-van Laere syndrome 2. Also called: Riboflavin transporter deficiency type 2; SPINOCEREBELLAR ATAXIA WITH BLINDNESS AND DEAFNESS 2. Identifiers: Orphanet 572543, Orphanet 97229, MedGen C3553538, MONDO:0013867, OMIM 614707.

gnomAD v4.1: 16 of 1,613,596 alleles (0.00099%); highest among the groups gnomAD compares: East Asian, 0.0022%; 1 homozygote.

Submissions (2):

GeneDx
Classification: Uncertain significance. Last evaluated: 2026-08-06. Review status: criteria provided, single submitter. Criteria: GeneDx Variant Classification Process June 2021. Collection method: clinical testing. Allele origin: germline.
Comment: Not observed at significant frequency in large population cohorts (gnomAD); In silico analysis suggests that this missense variant does not alter protein structure/function; This variant is associated with the following publications: (PMID: 40168907, 40307217, 29053833)

Labcorp Genetics (formerly Invitae), Labcorp
Classification: Uncertain significance for Brown-Vialetto-van Laere syndrome 2. Last evaluated: 2022-04-15. Review status: criteria provided, single submitter. Criteria: Invitae Variant Classification Sherloc (09022015). Collection method: clinical testing. Allele origin: germline.
Comment: This missense change has been observed in individual(s) with Brown-Vialetto-Van Laere syndrome (PMID: 29053833). This variant is present in population databases (rs782089251, gnomAD 0.006%), including at least one homozygous and/or hemizygous individual. This sequence change replaces glutamic acid, which is acidic and polar, with lysine, which is basic and polar, at codon 77 of the SLC52A2 protein (p.Glu77Lys). Advanced modeling of protein sequence and biophysical properties (such as structural, functional, and spatial information, amino acid conservation, physicochemical variation, residue mobility, and thermodynamic stability) performed at Invitae indicates that this missense variant is expected to disrupt SLC52A2 protein function. In summary, the available evidence is currently insufficient to determine the role of this variant in disease. Therefore, it has been classified as a Variant of Uncertain Significance.

Literature cited by the submitters: PubMed 29053833 (cited by Labcorp Genetics (formerly Invitae), Labcorp).

NM_001363118.2(SLC52A2):c.229G>A (p.Glu77Lys)

Gene: SLC52A2 (solute carrier family 52 member 2; plus strand). Cytogenetic location: 8q24.3.
Variant type: single nucleotide variant.
Coding change: c.229G>A on transcript NM_001363118.2 (MANE Select); coding-DNA position 229, G replaced by A.
Protein change: p.Glu77Lys; replaces glutamic acid 77 with lysine.
Molecular consequence: missense variant. On other transcripts: non-coding transcript variant (1), intron variant (1).
Genome position (GRCh38, 1-based): chr8:144,359,721, G>A. VCF-style: chr8-144359721-G-A. GRCh37 (hg19) VCF-style: chr8-145583381-G-A.
Other names: c.229G>A, p.Glu77Lys (NM_001253815.2, NM_001253816.2, NM_001363120.2 and 2 more transcripts); c.-36G>A (NM_001410949.1); c.130+298G>A (NM_001363122.2); short protein forms E77K.
Identifiers: ClinVar variation 1810167 (VCV001810167.7), dbSNP rs782089251, ClinGen allele CA4938149.